The following is an entry in ClinVar:

ClinVar aggregate classification (germline): Uncertain significance (1 of 4 stars; one submission).

Conditions:
Gastrointestinal stromal tumor. Also called: Gastrointestinal stromal tumor, somatic; Gastrointestinal stroma tumor. Identifiers: Orphanet 44890, MedGen C0238198, MeSH D046152, MONDO:0011719, OMIM 606764, HP:0100723.
Pheochromocytoma/paraganglioma syndrome 3. Also called: GLOMUS TUMORS, FAMILIAL, 3; Paragangliomas 3; SDHC-Related Hereditary Paraganglioma-Pheochromocytoma Syndrome (Paragangliomas 3); SDHC-Related Hereditary Paraganglioma-Pheochromocytoma Syndrome. Identifiers: Orphanet 29072, MedGen C1854336, MONDO:0011544, OMIM 605373.

Submission:

Labcorp Genetics (formerly Invitae), Labcorp
Classification: Uncertain significance for Pheochromocytoma/paraganglioma syndrome 3; Gastrointestinal stromal tumor. Last evaluated: 2023-08-18. Review status: criteria provided, single submitter. Criteria: Invitae Variant Classification Sherloc (09022015). Collection method: clinical testing. Allele origin: germline.
Comment: In summary, the available evidence is currently insufficient to determine the role of this variant in disease. Therefore, it has been classified as a Variant of Uncertain Significance. Algorithms developed to predict the effect of sequence changes on RNA splicing suggest that this variant is not likely to affect RNA splicing. This variant has not been reported in the literature in individuals affected with SDHC-related conditions. This variant is not present in population databases (gnomAD no frequency). This sequence change affects codon 26 of the SDHC mRNA. It is a 'silent' change, meaning that it does not change the encoded amino acid sequence of the SDHC protein. It affects a nucleotide within the consensus splice site.

NM_003001.5(SDHC):c.78T>C (p.Asn26=)

Gene: SDHC (succinate dehydrogenase complex subunit C; plus strand). Cytogenetic location: 1q23.3.
Variant type: single nucleotide variant.
Coding change: c.78T>C on transcript NM_003001.5 (MANE Select); coding-DNA position 78, T replaced by C.
Protein change: p.Asn26=; no amino-acid change (asparagine 26 retained).
Molecular consequence: synonymous variant. On other transcripts: 5 prime UTR variant (2), non-coding transcript variant (1), intron variant (4).
Genome position (GRCh38, 1-based): chr1:161,328,396, T>C. VCF-style: chr1-161328396-T-C. GRCh37 (hg19) VCF-style: chr1-161298186-T-C.
Other names: c.78T>C, p.Asn26= (NM_001035511.3, NM_001407115.1); c.21T>C, p.Ser7= (NM_001407116.1, NM_001407117.1, NM_001407121.1); c.-34T>C (NM_001407119.1, NM_001407120.1); c.77+4726T>C (NM_001035512.3, NM_001278172.3, NM_001407118.1); c.21-12198T>C (NM_001035513.3).
Identifiers: ClinVar variation 2951094 (VCV002951094.3), dbSNP rs2526363798, ClinGen allele CA421408493.